The following is an entry in ClinVar:

ClinVar aggregate classification (germline): Likely benign (1 of 4 stars; one submission).

gnomAD v4.1: 3 of 1,592,782 alleles (0.00019%); highest among the groups gnomAD compares: Non-Finnish European, 0.00026%; no homozygotes.

Submission:

Mayo Clinic Laboratories, Mayo Clinic
Classification: Likely benign. Last evaluated: 2025-08-20. Review status: criteria provided, single submitter. Criteria: ACMG Guidelines, 2015. Collection method: clinical testing. Allele origin: germline. Observed: 1 variant allele.
Comment: BP4, BP7

NM_007254.4(PNKP):c.199-8T>C

Gene: PNKP (polynucleotide kinase 3'-phosphatase; minus strand). Cytogenetic location: 19q13.33.
Variant type: single nucleotide variant.
Coding change: c.199-8T>C on transcript NM_007254.4 (MANE Select); 8 bases into the intron before coding-DNA position 199, T replaced by C.
Molecular consequence: intron variant.
Genome position (GRCh38, 1-based): chr19:49,865,434, A>G on the plus strand (T>C on the coding strand, the complement: PNKP is on the minus strand). VCF-style: chr19-49865434-A-G. GRCh37 (hg19) VCF-style: chr19-50368691-A-G.
Other names: p.?.
Identifiers: ClinVar variation 4684393 (VCV004684393.1).